The following is an entry in ClinVar:

ClinVar aggregate classification (germline): Pathogenic (1 of 4 stars; one submission).

Conditions:
X-linked mixed hearing loss with perilymphatic gusher. Also called: Deafness, X-linked 2; NANCE DEAFNESS; PERILYMPHATIC GUSHER-DEAFNESS SYNDROME; SENSORINEURAL DEAFNESS, PROFOUND, WITH OR WITHOUT A CONDUCTIVE COMPONENT, ASSOCIATED WITH A UNIQUE DEVELOPMENTAL ABNORMALITY OF THE EAR; Gusher syndrome. Identifiers: Orphanet 383, MedGen C1844678, MONDO:0010576, OMIM 304400.

Submission:

Institute of Rare Diseases, West China Hospital, Sichuan University
Classification: Pathogenic for X-linked mixed hearing loss with perilymphatic gusher. Last evaluated: 2025-01-09. Review status: criteria provided, single submitter. Criteria: ClinGen HL ACMG Specifications v1. Collection method: research. Allele origin: germline. Affected: yes.
Comment: PVS1;PM3_Supporting;PM2_Supporting

NM_000307.5(POU3F4):c.226del (p.Leu76fs)

Gene: POU3F4 (POU class 3 homeobox 4; plus strand). Cytogenetic location: Xq21.1.
Variant type: Deletion.
Coding change: c.226del on transcript NM_000307.5 (MANE Select); coding-DNA position 226, one base deleted (C; older notation c.226delC).
Protein change: p.Leu76fs; shifts the reading frame from leucine 76.
Molecular consequence: frameshift variant.
Genome position (GRCh38, 1-based): chrX:83,508,550, C deleted; the last of 5 consecutive C bases (chrX:83,508,546-83,508,550); deleting any one gives the same sequence. VCF-style (leftmost placement, unchanged base first): chrX-83508545-GC-G. GRCh37 (hg19) VCF-style: chrX-82763553-GC-G.
Other names: short protein forms L76fs.
Identifiers: ClinVar variation 3601649 (VCV003601649.1).
Genomic context (GRCh38, chrX:83,508,545, plus strand): 5'-GGCATCACTGGGTGACCAGTCTGAGCGACGGGGGCCCATGGTCCTCCACACTGGCCACCA[GC>G]CCCCTGGACCAGCAGGACGTGAAGCCCGGGCGCGAAGACCTGCAACTGGGTGCGATCATC-3'